The following is an entry in ClinVar:

NM_144997.7(FLCN):c.661_662del (p.Arg221fs)

Gene: FLCN (folliculin; minus strand). Cytogenetic location: 17p11.2.
Variant type: Microsatellite.
Coding change: c.661_662del on transcript NM_144997.7 (MANE Select); coding-DNA positions 661 to 662, 2 bases deleted (AG; older notation c.661_662delAG).
Protein change: p.Arg221fs; shifts the reading frame from arginine 221.
Molecular consequence: frameshift variant.
Genome position (GRCh38, 1-based): chr17:17,222,618-17,222,619, CT deleted on the plus strand (AG on the coding strand, the reverse complement: FLCN is on the minus strand); deleting any 2 consecutive bases within chr17:17,222,618-17,222,621 gives the same sequence; the c. name uses the placement nearest the transcript's 3' end. VCF-style (leftmost placement, unchanged base first): chr17-17222617-CCT-C. GRCh37 (hg19) VCF-style: chr17-17125931-CCT-C.
Other names: c.715_716del, p.Arg239fs (NM_001353229.2); c.661_662del, p.Arg221fs (NM_001353230.2, NM_001353231.2, NM_144606.7); c.659_660AG[1], p.Arg221Aspfs (NM_144997.5); c.661_662delAG (NM_144997.5); short protein forms R221fs, R239fs.
Identifiers: ClinVar variation 4025303 (VCV004025303.1).

ClinVar aggregate classification (germline): Pathogenic (1 of 4 stars; one submission).

Conditions:
Hereditary cancer-predisposing syndrome. Also called: Tumor predisposition; Hereditary neoplastic syndrome; Neoplastic Syndromes, Hereditary; Hereditary Cancer Syndrome. Identifiers: Orphanet 140162, MedGen C0027672, MeSH D009386, MONDO:0015356.

Submission:

Ambry Genetics
Classification: Pathogenic for Hereditary cancer-predisposing syndrome. Last evaluated: 2025-04-22. Review status: criteria provided, single submitter. Criteria: Ambry Variant Classification Scheme 2023. Collection method: clinical testing. Allele origin: germline.
Comment: The c.661_662delAG pathogenic mutation, located in coding exon 4 of the FLCN gene, results from a deletion of two nucleotides at nucleotide positions 661 to 662, causing a translational frameshift with a predicted alternate stop codon (p.R221Dfs*26). This variant is considered to be rare based on population cohorts in the Genome Aggregation Database (gnomAD). This alteration is expected to result in loss of function by premature protein truncation or nonsense-mediated mRNA decay. As such, this alteration is interpreted as a disease-causing mutation.